The following is an entry in ClinVar:

ClinVar aggregate classification (germline): Uncertain significance (1 of 4 stars; one submission).

Conditions:
Combined immunodeficiency due to DOCK8 deficiency (HIES2). Also called: Hyper-IgE recurrent infection syndrome, autosomal recessive; DOCK8 Deficiency; HYPER-IgE RECURRENT INFECTION SYNDROME 2, AUTOSOMAL RECESSIVE; HIES autosomal recessive; HYPER-IgE SYNDROME 2, AUTOSOMAL RECESSIVE, WITH RECURRENT INFECTIONS. Identifiers: Orphanet 217390, MedGen C4722305, MONDO:0009478, OMIM 243700.

Allele frequency attached by ClinVar (database versions not stated): gnomAD exomes 0.00001 and 0.00004; gnomAD 0.00004 and 0.00005; ExAC 0.00005; TOPMed 0.00010; ESP Exome Variant Server 0.00015; 1000 Genomes Project 30x 0.00016; 1000 Genomes Project 0.00020.
gnomAD v4.1: 27 of 1,613,220 alleles (0.0017%); highest among the groups gnomAD compares: African/African-American, 0.0093%; no homozygotes.

Submission:

Labcorp Genetics (formerly Invitae), Labcorp
Classification: Uncertain significance for Combined immunodeficiency due to DOCK8 deficiency. Last evaluated: 2025-11-04. Review status: criteria provided, single submitter. Criteria: Invitae Variant Classification Sherloc (09022015). Collection method: clinical testing. Allele origin: germline.
Comment: This sequence change replaces alanine, which is neutral and non-polar, with valine, which is neutral and non-polar, at codon 768 of the DOCK8 protein (p.Ala768Val). This variant is present in population databases (rs140779178, gnomAD 0.03%). This variant has not been reported in the literature in individuals affected with DOCK8-related conditions. ClinVar contains an entry for this variant (Variation ID: 1422272). Invitae Evidence Modeling of protein sequence and biophysical properties (such as structural, functional, and spatial information, amino acid conservation, physicochemical variation, residue mobility, and thermodynamic stability) indicates that this missense variant is not expected to disrupt DOCK8 protein function with a negative predictive value of 80%. In summary, the available evidence is currently insufficient to determine the role of this variant in disease. Therefore, it has been classified as a Variant of Uncertain Significance.

NM_203447.4(DOCK8):c.2303C>T (p.Ala768Val)

Gene: DOCK8 (dedicator of cytokinesis 8; plus strand). Cytogenetic location: 9p24.3.
Variant type: single nucleotide variant.
Coding change: c.2303C>T on transcript NM_203447.4 (MANE Select); coding-DNA position 2303, C replaced by T.
Protein change: p.Ala768Val; replaces alanine 768 with valine.
Molecular consequence: missense variant.
Genome position (GRCh38, 1-based): chr9:377,074, C>T. VCF-style: chr9-377074-C-T. GRCh37 (hg19) VCF-style: chr9-377074-C-T.
Other names: c.2099C>T, p.Ala700Val (NM_001190458.2, NM_001193536.2); short protein forms A768V, A700V.
Identifiers: ClinVar variation 1422272 (VCV001422272.6), dbSNP rs140779178, ClinGen allele CA4958160.